The following is an entry in ClinVar:

NM_000232.5(SGCB):c.188A>G (p.Asn63Ser)

Gene: SGCB (sarcoglycan beta; minus strand). Cytogenetic location: 4q12.
Variant type: single nucleotide variant.
Coding change: c.188A>G on transcript NM_000232.5 (MANE Select); coding-DNA position 188, A replaced by G.
Protein change: p.Asn63Ser; replaces asparagine 63 with serine.
Molecular consequence: missense variant.
Genome position (GRCh38, 1-based): chr4:52,033,486, T>C on the plus strand (A>G on the coding strand, the complement: SGCB is on the minus strand). VCF-style: chr4-52033486-T-C. GRCh37 (hg19) VCF-style: chr4-52899652-T-C.
Other names: short protein forms N63S.
Identifiers: ClinVar variation 285180 (VCV000285180.14), dbSNP rs377071680, ClinGen allele CA2918492.
Genomic context (GRCh38, chr4:52,033,486, plus strand): 5'-CTCACTATTAAATTGATGACAGCCAGGATAAACAAGAGGATAATCACACAGATGGCTAAA[T>C]TGCCCTTTCTTCCTCTCAACCCTGTTTTGTGGAGACGATCTTCATCAATCGGAATGTATC-3'
Protein context (NP_000223.1, residues 53-73): HKTGLRGRKG[Asn63Ser]LAICVIILLF

ClinVar aggregate classification (germline): Uncertain significance. Review status: criteria provided, multiple submitters, no conflicts (2 of 4 stars). 6 submissions from 6 submitters: Uncertain significance (5). 1 of the submissions does not count toward it. Last evaluated 2023-12-07.

Conditions:
Autosomal recessive limb-girdle muscular dystrophy type 2E (LGMDR4). Also called: MUSCULAR DYSTROPHY, LIMB-GIRDLE, AUTOSOMAL RECESSIVE 4. Identifiers: Orphanet 119, MedGen C1858593, MONDO:0011423, OMIM 604286. Disease mechanism: Affects gamma-sarcoglycan and also disrupts the integrity of the entire sarcoglycan complex..

Allele frequency attached by ClinVar (database versions not stated): gnomAD exomes 0.00004; ExAC 0.00006; ESP Exome Variant Server 0.00008; TOPMed 0.00008; gnomAD 0.00011.

Submissions (6):

Athena Diagnostics
Classification: Uncertain significance. Last evaluated: 2023-12-07. Review status: criteria provided, single submitter. Criteria: Athena Diagnostics Criteria. Collection method: clinical testing. Allele origin: unknown.
Comment: Available data are insufficient to determine the clinical significance of the variant at this time. The frequency of this variant in the general population is uninformative in assessment of its pathogenicity. Computational tools predict that this variant is not damaging.

Revvity Omics, Revvity
Classification: Uncertain significance for Autosomal recessive limb-girdle muscular dystrophy type 2E. Last evaluated: 2023-10-02. Review status: criteria provided, single submitter. Criteria: ACMG Guidelines, 2015. Collection method: clinical testing. Allele origin: germline.

Department of Pathology and Laboratory Medicine, Sinai Health System
Classification: Uncertain significance for Autosomal recessive limb-girdle muscular dystrophy type 2E. Last evaluated: 2022-05-20. Review status: criteria provided, single submitter. Criteria: ACMG Guidelines, 2015. Collection method: research. Allele origin: germline.

Labcorp Genetics (formerly Invitae), Labcorp
Classification: Uncertain significance for Autosomal recessive limb-girdle muscular dystrophy type 2E. Last evaluated: 2021-08-30. Review status: criteria provided, single submitter. Criteria: Invitae Variant Classification Sherloc (09022015). Collection method: clinical testing. Allele origin: germline.
Comment: This sequence change replaces asparagine with serine at codon 63 of the SGCB protein (p.Asn63Ser). The asparagine residue is highly conserved and there is a small physicochemical difference between asparagine and serine. This variant is present in population databases (rs377071680, ExAC 0.03%). This variant has not been reported in the literature in individuals affected with SGCB-related conditions. ClinVar contains an entry for this variant (Variation ID: 285180). Algorithms developed to predict the effect of missense changes on protein structure and function output the following: SIFT: "Tolerated"; PolyPhen-2: "Benign"; Align-GVGD: "Class C0". The serine amino acid residue is found in multiple mammalian species, which suggests that this missense change does not adversely affect protein function. In summary, the available evidence is currently insufficient to determine the role of this variant in disease. Therefore, it has been classified as a Variant of Uncertain Significance.

Eurofins Ntd Llc (ga)
Classification: Uncertain significance. Last evaluated: 2018-03-23. Review status: criteria provided, single submitter. Criteria: EGL ClinVar v180209 classification definitions. Collection method: clinical testing. Allele origin: germline. Observed: 4 variant alleles, 4 heterozygotes.

Natera, Inc.
Classification: Uncertain significance for Limb-girdle muscular dystrophy type 2E. Last evaluated: 2019-11-11. Review status: no assertion criteria provided. Collection method: clinical testing. Allele origin: germline. Not counted in ClinVar's aggregate classification.

Literature cited by the submitters: PubMed 31983221 (cited by Athena Diagnostics); PubMed 37317968 (cited by Athena Diagnostics).